The following is an entry in ClinVar:

ClinVar aggregate classification (germline): Likely benign (1 of 4 stars; one submission).

Conditions:
NR0B2-related disorder. Also called: NR0B2-related condition.

Allele frequency attached by ClinVar (database versions not stated): gnomAD exomes 0.00009; 1000 Genomes Project 30x 0.00016; 1000 Genomes Project 0.00020; TOPMed 0.00003; gnomAD 0.00006; ExAC 0.00009.
gnomAD v4.1: 140 of 1,614,226 alleles (0.0087%); highest among the groups gnomAD compares: East Asian, 0.25%; 1 homozygote.

Submission:

PreventionGenetics, part of Exact Sciences
Classification: Likely benign for NR0B2-related condition. Last evaluated: 2025-07-29. Review status: criteria provided, single submitter. Criteria: ACMG Guidelines, 2015. Collection method: clinical testing. Allele origin: germline.
Comment: This variant is classified as likely benign based on ACMG/AMP sequence variant interpretation guidelines (Richards et al. 2015 PMID: 25741868, with internal and published modifications).

NM_021969.3(NR0B2):c.647G>A (p.Arg216His)

Genes: NR0B2 (nuclear receptor subfamily 0 group B member 2; minus strand), NUDC (nuclear distribution C, dynein complex regulator; plus strand). Cytogenetic location: 1p36.11.
Variant type: single nucleotide variant.
Coding change: c.647G>A on transcript NM_021969.3 (MANE Select); coding-DNA position 647, G replaced by A.
Protein change: p.Arg216His; replaces arginine 216 with histidine.
Molecular consequence: missense variant.
Genome position (GRCh38, 1-based): chr1:26,911,972, C>T on the plus strand (G>A on the coding strand, the complement: NR0B2 is on the minus strand). VCF-style: chr1-26911972-C-T. GRCh37 (hg19) VCF-style: chr1-27238463-C-T.
Other names: short protein forms R216H.
Identifiers: ClinVar variation 2632928 (VCV002632928.4), dbSNP rs200475847, ClinGen allele CA709562.
Genomic context (GRCh38, chr1:26,911,972, plus strand): 5'-AAGAGGTCCCCAAGCAGGCTGGTCGGAATGGACTTGAGGGTGGAGGCCGTGAGGAGGACA[C>T]GGGTCAGGCGGCCTTGGGCTGCTGGGCACCAGGGTTCCAGGACTTCACACAGCACCCAGT-3'
Protein context (NP_068804.1, residues 206-226): WCPAAQGRLT[Arg216His]VLLTASTLKS